The following is an entry in ClinVar:

NM_005428.4(VAV1):c.1088T>C (p.Met363Thr)

Gene: VAV1 (vav guanine nucleotide exchange factor 1; plus strand). Cytogenetic location: 19p13.3.
Variant type: single nucleotide variant.
Coding change: c.1088T>C on transcript NM_005428.4 (MANE Select); coding-DNA position 1088, T replaced by C.
Protein change: p.Met363Thr; replaces methionine 363 with threonine.
Molecular consequence: missense variant.
Genome position (GRCh38, 1-based): chr19:6,828,483, T>C. VCF-style: chr19-6828483-T-C. GRCh37 (hg19) VCF-style: chr19-6828494-T-C.
Other names: c.1088T>C, p.Met363Thr (NM_001258206.2); c.992T>C, p.Met331Thr (NM_001258207.2); short protein forms M331T, M363T.
Identifiers: ClinVar variation 3700907 (VCV003700907.2).

ClinVar aggregate classification (germline): Uncertain significance (1 of 4 stars; one submission).

gnomAD v4.1: 1 of 1,614,104 alleles (0.000062%); highest among the groups gnomAD compares: Non-Finnish European, 0.000085%; no homozygotes.

Submission:

Labcorp Genetics (formerly Invitae), Labcorp
Classification: Uncertain significance. Last evaluated: 2024-12-03. Review status: criteria provided, single submitter. Criteria: Invitae Variant Classification Sherloc (09022015). Collection method: clinical testing. Allele origin: germline.
Comment: This sequence change replaces methionine, which is neutral and non-polar, with threonine, which is neutral and polar, at codon 363 of the VAV1 protein (p.Met363Thr). This variant is not present in population databases (gnomAD no frequency). This variant has not been reported in the literature in individuals affected with VAV1-related conditions. An algorithm developed to predict the effect of missense changes on protein structure and function (PolyPhen-2) suggests that this variant is likely to be disruptive. In summary, the available evidence is currently insufficient to determine the role of this variant in disease. Therefore, it has been classified as a Variant of Uncertain Significance.